The following is an entry in ClinVar:

ClinVar aggregate classification (germline): Uncertain significance (1 of 4 stars; one submission).

Submission:

Labcorp Genetics (formerly Invitae), Labcorp
Classification: Uncertain significance. Last evaluated: 2025-07-10. Review status: criteria provided, single submitter. Criteria: Invitae Variant Classification Sherloc (09022015). Collection method: clinical testing. Allele origin: germline.
Comment: This sequence change replaces serine, which is neutral and polar, with arginine, which is basic and polar, at codon 364 of the LRP2 protein (p.Ser364Arg). This variant is not present in population databases (gnomAD no frequency). This variant has not been reported in the literature in individuals affected with LRP2-related conditions. ClinVar contains an entry for this variant (Variation ID: 2844715). Invitae Evidence Modeling of protein sequence and biophysical properties (such as structural, functional, and spatial information, amino acid conservation, physicochemical variation, residue mobility, and thermodynamic stability) indicates that this missense variant is not expected to disrupt LRP2 protein function with a negative predictive value of 95%. In summary, the available evidence is currently insufficient to determine the role of this variant in disease. Therefore, it has been classified as a Variant of Uncertain Significance.

NM_004525.3(LRP2):c.1092C>G (p.Ser364Arg)

Gene: LRP2 (LDL receptor related protein 2; minus strand). Cytogenetic location: 2q31.1.
Variant type: single nucleotide variant.
Coding change: c.1092C>G on transcript NM_004525.3 (MANE Select); coding-DNA position 1092, C replaced by G.
Protein change: p.Ser364Arg; replaces serine 364 with arginine.
Molecular consequence: missense variant.
Genome position (GRCh38, 1-based): chr2:169,282,952, G>C on the plus strand (C>G on the coding strand, the complement: LRP2 is on the minus strand). VCF-style: chr2-169282952-G-C. GRCh37 (hg19) VCF-style: chr2-170139462-G-C.
Other names: short protein forms S364R.
Identifiers: ClinVar variation 2844715 (VCV002844715.3), dbSNP rs2105454619, ClinGen allele CA349152345.